The following is an entry in ClinVar:

ClinVar aggregate classification (germline): Conflicting classifications of pathogenicity. Review status: criteria provided, conflicting classifications (1 of 4 stars). 6 submissions from 5 submitters: Uncertain significance (3); Benign (1); Likely benign (2). Last evaluated 2024-01-19.

Conditions:
Autosomal recessive ataxia, Beauce type. Also called: SYNE1-Related Autosomal Recessive Cerebellar Ataxia; Spinocerebellar ataxia, autosomal recessive 8; ATAXIA, RECESSIVE, OF BEAUCE; SYNE1 Deficiency. Identifiers: Orphanet 88644, MedGen C1853116, MONDO:0012549, OMIM 610743.
Emery-Dreifuss muscular dystrophy 4, autosomal dominant (EDMD4). Also called: EMERY-DREIFUSS MUSCULAR DYSTROPHY 4 WITH VARIABLE FEATURES. Identifiers: Orphanet 261, MedGen C2751807, MONDO:0013071, OMIM 612998.

Allele frequency attached by ClinVar (database versions not stated): gnomAD exomes 0.00008 and 0.00022; TOPMed 0.00020; gnomAD 0.00023 and 0.00024; ExAC 0.00026; 1000 Genomes Project 30x 0.00031; 1000 Genomes Project 0.00040.
gnomAD v4.1: 155 of 1,614,094 alleles (0.0096%); highest among the groups gnomAD compares: East Asian, 0.11%; no homozygotes.

Submissions (6):

Blueprint Genetics
Classification: Uncertain significance. Last evaluated: 2024-01-19. Review status: criteria provided, single submitter. Criteria: ACMG Guidelines, 2015. Collection method: clinical testing. Allele origin: germline.

Labcorp Genetics (formerly Invitae), Labcorp
Classification: Likely benign for Emery-Dreifuss muscular dystrophy 4, autosomal dominant; Autosomal recessive ataxia, Beauce type. Last evaluated: 2022-12-02. Review status: criteria provided, single submitter. Criteria: Invitae Variant Classification Sherloc (09022015). Collection method: clinical testing. Allele origin: germline.

Revvity Omics, Revvity
Classification: Uncertain significance. Last evaluated: 2019-06-12. Review status: criteria provided, single submitter. Criteria: ACMG Guidelines, 2015. Collection method: clinical testing. Allele origin: germline.

Athena Diagnostics
Classification: Likely benign. Last evaluated: 2018-12-26. Review status: criteria provided, single submitter. Criteria: Athena Diagnostics Criteria. Collection method: clinical testing. Allele origin: germline.

Illumina Laboratory Services, Illumina
Classification: Benign for Emery-Dreifuss muscular dystrophy 4, autosomal dominant. Last evaluated: 2018-01-12. Review status: criteria provided, single submitter. Criteria: ICSL Variant Classification Criteria 13 December 2019. Collection method: clinical testing. Allele origin: germline.
Comment: This variant was observed in the ICSL laboratory as part of a predisposition screen in an ostensibly healthy population. It had not been previously curated by ICSL or reported in the Human Gene Mutation Database (HGMD: prior to June 1st, 2018), and was therefore a candidate for classification through an automated scoring system. Utilizing variant allele frequency, disease prevalence and penetrance estimates, and inheritance mode, an automated score was calculated to assess if this variant is too frequent to cause the disease. Based on the score and internal cut-off values, a variant classified as benign is not then subjected to further curation. The score for this variant resulted in a classification of benign for this disease.

Illumina Laboratory Services, Illumina
Classification: Uncertain significance for Autosomal recessive ataxia, Beauce type. Last evaluated: 2018-01-12. Review status: criteria provided, single submitter. Criteria: ICSL Variant Classification Criteria 13 December 2019. Collection method: clinical testing. Allele origin: germline.

NM_182961.4(SYNE1):c.22235G>A (p.Arg7412His)

Gene: SYNE1 (spectrin repeat containing nuclear envelope protein 1; minus strand). Cytogenetic location: 6q25.2.
Variant type: single nucleotide variant.
Coding change: c.22235G>A on transcript NM_182961.4 (MANE Select); coding-DNA position 22235, G replaced by A.
Protein change: p.Arg7412His; replaces arginine 7412 with histidine.
Molecular consequence: missense variant.
Genome position (GRCh38, 1-based): chr6:152,215,017, C>T on the plus strand (G>A on the coding strand, the complement: SYNE1 is on the minus strand). VCF-style: chr6-152215017-C-T. GRCh37 (hg19) VCF-style: chr6-152536152-C-T.
Other names: c.22022G>A, p.Arg7341His (NM_033071.5); short protein forms R7412H, R7341H.
Identifiers: ClinVar variation 355826 (VCV000355826.17), dbSNP rs200135486, ClinGen allele CA4053926.
Genomic context (GRCh38, chr6:152,215,017, plus strand): 5'-TTCTGCATTCTTTTGATTTCCTTATCATTCAAGGGTAACCTATATCCAAGCTCATTTAGA[C>T]GGTCTAAATCTGGAGCCATGCTGCTGAATTTTAACATCTGTCCCTAGAAGGAAGATTTAA-3'
Protein context (NP_892006.3, residues 7402-7422): KFSSMAPDLD[Arg7412His]LNELGYRLPL